The following is an entry in ClinVar:

NM_002067.5(GNA11):c.971T>C (p.Ile324Thr)

Gene: GNA11 (G protein subunit alpha 11; plus strand). Cytogenetic location: 19p13.3.
Variant type: single nucleotide variant.
Coding change: c.971T>C on transcript NM_002067.5 (MANE Select); coding-DNA position 971, T replaced by C.
Protein change: p.Ile324Thr; replaces isoleucine 324 with threonine.
Molecular consequence: missense variant.
Genome position (GRCh38, 1-based): chr19:3,121,070, T>C. VCF-style: chr19-3121070-T-C. GRCh37 (hg19) VCF-style: chr19-3121068-T-C.
Other names: short protein forms I324T.
Identifiers: ClinVar variation 1963874 (VCV001963874.5), dbSNP rs2145328997, ClinGen allele CA403312237.

ClinVar aggregate classification (germline): Uncertain significance (1 of 4 stars; one submission).

Allele frequency attached by ClinVar (database versions not stated): gnomAD exomes below 0.00001.
gnomAD v4.1: 2 of 1,613,690 alleles (0.00012%); highest among the groups gnomAD compares: Non-Finnish European, 0.00017%; no homozygotes.

Submission:

Labcorp Genetics (formerly Invitae), Labcorp
Classification: Uncertain significance. Last evaluated: 2022-09-30. Review status: criteria provided, single submitter. Criteria: Invitae Variant Classification Sherloc (09022015). Collection method: clinical testing. Allele origin: germline.
Comment: Advanced modeling of protein sequence and biophysical properties (such as structural, functional, and spatial information, amino acid conservation, physicochemical variation, residue mobility, and thermodynamic stability) performed at Invitae indicates that this missense variant is not expected to disrupt GNA11 protein function. This sequence change replaces isoleucine, which is neutral and non-polar, with threonine, which is neutral and polar, at codon 324 of the GNA11 protein (p.Ile324Thr). This variant is not present in population databases (gnomAD no frequency). This variant has not been reported in the literature in individuals affected with GNA11-related conditions. In summary, the available evidence is currently insufficient to determine the role of this variant in disease. Therefore, it has been classified as a Variant of Uncertain Significance.